The following is an entry in ClinVar:

NM_015425.6(POLR1A):c.4320C>A (p.Asn1440Lys)

Gene: POLR1A (RNA polymerase I subunit A; minus strand). Cytogenetic location: 2p11.2.
Variant type: single nucleotide variant.
Coding change: c.4320C>A on transcript NM_015425.6 (MANE Select); coding-DNA position 4320, C replaced by A.
Protein change: p.Asn1440Lys; replaces asparagine 1440 with lysine.
Molecular consequence: missense variant.
Genome position (GRCh38, 1-based): chr2:86,031,588, G>T on the plus strand (C>A on the coding strand, the complement: POLR1A is on the minus strand). VCF-style: chr2-86031588-G-T. GRCh37 (hg19) VCF-style: chr2-86258711-G-T.
Other names: short protein forms N1440K.
Identifiers: ClinVar variation 2614082 (VCV002614082.5), dbSNP rs201493508, ClinGen allele CA1745516.

ClinVar aggregate classification (germline): Uncertain significance. Review status: criteria provided, multiple submitters, no conflicts (2 of 4 stars). 2 submissions from 2 submitters: Uncertain significance (2). Last evaluated 2023-07-25.

Conditions:
Inborn genetic diseases. Identifiers: MedGen C0950123, MeSH D030342.

Allele frequency attached by ClinVar (database versions not stated): 1000 Genomes Project 30x 0.00016; 1000 Genomes Project 0.00020.
gnomAD v4.1: 18 of 1,613,422 alleles (0.0011%); highest among the groups gnomAD compares: East Asian, 0.031%; no homozygotes.

Submissions (2):

Ambry Genetics
Classification: Uncertain significance for Inborn genetic diseases. Last evaluated: 2023-07-25. Review status: criteria provided, single submitter. Criteria: Ambry Variant Classification Scheme 2023. Collection method: clinical testing. Allele origin: germline.

Labcorp Genetics (formerly Invitae), Labcorp
Classification: Uncertain significance. Last evaluated: 2023-07-08. Review status: criteria provided, single submitter. Criteria: Invitae Variant Classification Sherloc (09022015). Collection method: clinical testing. Allele origin: germline.
Comment: This sequence change replaces asparagine, which is neutral and polar, with lysine, which is basic and polar, at codon 1440 of the POLR1A protein (p.Asn1440Lys). The frequency data for this variant in the population databases is considered unreliable, as metrics indicate poor data quality at this position in the gnomAD database. This variant has not been reported in the literature in individuals affected with POLR1A-related conditions. Advanced modeling of protein sequence and biophysical properties (such as structural, functional, and spatial information, amino acid conservation, physicochemical variation, residue mobility, and thermodynamic stability) performed at Invitae indicates that this missense variant is not expected to disrupt POLR1A protein function. In summary, the available evidence is currently insufficient to determine the role of this variant in disease. Therefore, it has been classified as a Variant of Uncertain Significance.